The following is an entry in ClinVar:

NM_139125.4(MASP1):c.2160T>C (p.Ser720=)

Gene: MASP1 (MBL associated serine protease 1; minus strand). Cytogenetic location: 3q27.3.
Variant type: single nucleotide variant.
Coding change: c.2160T>C on transcript NM_139125.4 (MANE Select); coding-DNA position 2160, T replaced by C.
Protein change: p.Ser720=; no amino-acid change (serine 720 retained).
Molecular consequence: synonymous variant. On other transcripts: non-coding transcript variant (1), intron variant (1).
Genome position (GRCh38, 1-based): chr3:187,235,711, A>G on the plus strand (T>C on the coding strand, the complement: MASP1 is on the minus strand). VCF-style: chr3-187235711-A-G. GRCh37 (hg19) VCF-style: chr3-186953499-A-G.
Other names: c.1303+5770T>C (NM_001879.6).
Identifiers: ClinVar variation 4979766 (VCV004979766.1).

ClinVar aggregate classification (germline): Likely benign (1 of 4 stars; one submission).

Conditions:
MASP1-related disorder. Also called: MASP1-related condition.

gnomAD v4.1: 27 of 1,613,972 alleles (0.0017%); highest among the groups gnomAD compares: Non-Finnish European, 0.0018%; no homozygotes.

Submission:

PreventionGenetics, part of Exact Sciences
Classification: Likely benign for MASP1-related condition. Last evaluated: 2026-01-05. Review status: criteria provided, single submitter. Criteria: ACMG Guidelines, 2015. Collection method: clinical testing. Allele origin: germline.
Comment: This variant is classified as likely benign based on ACMG/AMP sequence variant interpretation guidelines (Richards et al. 2015 PMID: 25741868, with internal and published modifications).